The following is an entry in ClinVar:

ClinVar aggregate classification (germline): Benign (1 of 4 stars; one submission).

Allele frequency attached by ClinVar (database versions not stated): ExAC 0.55314; 1000 Genomes Project 30x 0.55528; 1000 Genomes Project 0.55711; TOPMed 0.55809; ESP Exome Variant Server 0.56312; gnomAD 0.56442; gnomAD exomes 0.56712.
gnomAD v4.1: 913,251 of 1,613,624 alleles (57%); highest among the groups gnomAD compares: African/African-American, 58%; 259,719 homozygotes.

Submission:

Unidad de Genómica Garrahan, Hospital de Pediatría Garrahan
Classification: Benign. Last evaluated: 2024-01-24. Review status: criteria provided, single submitter. Criteria: ACMG Guidelines, 2015. Collection method: clinical testing. Allele origin: germline. Affected: no. Observed: 65 variant alleles.
Comment: This variant is classified as Benign based on local population frequency. This variant was detected in 74% of patients studied by a panel of primary immunodeficiencies. Number of patients: 65. Only high quality variants are reported.

NM_001040458.3(ERAP1):c.1911G>A (p.Ala637=)

Gene: ERAP1 (endoplasmic reticulum aminopeptidase 1; minus strand). Cytogenetic location: 5q15.
Variant type: single nucleotide variant.
Coding change: c.1911G>A on transcript NM_001040458.3 (MANE Select); coding-DNA position 1911, G replaced by A.
Protein change: p.Ala637=; no amino-acid change (alanine 637 retained).
Molecular consequence: synonymous variant.
Genome position (GRCh38, 1-based): chr5:96,785,820, C>T on the plus strand (G>A on the coding strand, the complement: ERAP1 is on the minus strand). VCF-style: chr5-96785820-C-T. GRCh37 (hg19) VCF-style: chr5-96121524-C-T.
Other names: c.1911G>A, p.Ala637= (NM_001198541.3, NM_001349244.2, NM_016442.5).
Identifiers: ClinVar variation 2688369 (VCV002688369.2), dbSNP rs469783, ClinGen allele CA3352114.